The following is an entry in ClinVar:

NM_001029883.3(PCARE):c.3609G>A (p.Pro1203=)

Gene: PCARE (photoreceptor cilium actin regulator; minus strand). Cytogenetic location: 2p23.2.
Variant type: single nucleotide variant.
Coding change: c.3609G>A on transcript NM_001029883.3 (MANE Select); coding-DNA position 3609, G replaced by A.
Protein change: p.Pro1203=; no amino-acid change (proline 1203 retained).
Molecular consequence: synonymous variant.
Genome position (GRCh38, 1-based): chr2:29,070,653, C>T on the plus strand (G>A on the coding strand, the complement: PCARE is on the minus strand). VCF-style: chr2-29070653-C-T. GRCh37 (hg19) VCF-style: chr2-29293519-C-T.
Identifiers: ClinVar variation 736420 (VCV000736420.12), dbSNP rs375163820, ClinGen allele CA1591883.

ClinVar aggregate classification (germline): Likely benign. Review status: criteria provided, multiple submitters, no conflicts (2 of 4 stars). 2 submissions from 2 submitters: Likely benign (2). Last evaluated 2025-11-11.

Conditions:
PCARE-related disorder. Also called: PCARE-related condition.

Allele frequency attached by ClinVar (database versions not stated): gnomAD exomes 0.00002 and 0.00004; ExAC 0.00004; TOPMed 0.00004; ESP Exome Variant Server 0.00008; gnomAD 0.00008; 1000 Genomes Project 30x 0.00016; 1000 Genomes Project 0.00020.
gnomAD v4.1: 49 of 1,614,056 alleles (0.003%); highest among the groups gnomAD compares: African/African-American, 0.017%; no homozygotes.

Submissions (2):

PreventionGenetics, part of Exact Sciences
Classification: Likely benign for PCARE-related condition. Last evaluated: 2025-11-11. Review status: criteria provided, single submitter. Criteria: ACMG Guidelines, 2015. Collection method: clinical testing. Allele origin: germline.
Comment: This variant is classified as likely benign based on ACMG/AMP sequence variant interpretation guidelines (Richards et al. 2015 PMID: 25741868, with internal and published modifications).

Labcorp Genetics (formerly Invitae), Labcorp
Classification: Likely benign. Last evaluated: 2023-12-21. Review status: criteria provided, single submitter. Criteria: Invitae Variant Classification Sherloc (09022015). Collection method: clinical testing. Allele origin: germline.